The following is an entry in ClinVar:

NM_001267550.2(TTN):c.100163G>A (p.Ser33388Asn)

Genes: TTN-AS1 (TTN antisense RNA 1; plus strand), TTN (titin; minus strand), LOC126806420 (BRD4-independent group 4 enhancer GRCh37_chr2:179401104-179402303; plus strand). Cytogenetic location: 2q31.2.
Variant type: single nucleotide variant.
Coding change: c.100163G>A on transcript NM_001267550.2 (MANE Select); coding-DNA position 100163, G replaced by A.
Protein change: p.Ser33388Asn; replaces serine 33388 with asparagine.
Molecular consequence: missense variant.
Genome position (GRCh38, 1-based): chr2:178,536,946, C>T on the plus strand (G>A on the coding strand, the complement: TTN is on the minus strand). VCF-style: chr2-178536946-C-T. GRCh37 (hg19) VCF-style: chr2-179401673-C-T.
Other names: p.Ser31747Asn; c.95240G>A, p.Ser31747Asn (NM_001256850.1); c.72968G>A, p.Ser24323Asn (NM_003319.4); c.92459G>A, p.Ser30820Asn (NM_133378.4); c.73343G>A, p.Ser24448Asn (NM_133432.3); c.73544G>A, p.Ser24515Asn (NM_133437.4); short protein forms S33388N, S30820N, S24448N, S31747N, S24323N, S24515N.
Identifiers: ClinVar variation 196646 (VCV000196646.12), dbSNP rs745406517, ClinGen allele CA243675.

ClinVar aggregate classification (germline): Uncertain significance. Review status: criteria provided, multiple submitters, no conflicts (2 of 4 stars). 6 submissions from 6 submitters: Uncertain significance (6). Last evaluated 2025-07-23.

Conditions:
TTN-related disorder. Also called: TTN-related condition; TTN-related disease; TTN-related disorders.
Cardiovascular phenotype. Identifiers: MedGen CN230736.
Dilated cardiomyopathy 1G (CMD1G). Identifiers: Orphanet 154, MedGen C1858763, MONDO:0011400, OMIM 604145.
Autosomal recessive limb-girdle muscular dystrophy type 2J (LGMDR10). Also called: Limb-girdle muscular dystrophy, type 2J; MUSCULAR DYSTROPHY, LIMB-GIRDLE, AUTOSOMAL RECESSIVE 10. Identifiers: Orphanet 140922, MedGen C1837342, MONDO:0012127, OMIM 608807.
Early-onset myopathy with fatal cardiomyopathy (CMYO5). Also called: Salih Myopathy; CONGENITAL MYOPATHY 5 WITH CARDIOMYOPATHY. Identifiers: Orphanet 289377, MedGen C2673677, MONDO:0012714, OMIM 611705. Disease mechanism: loss of function.
Tibial muscular dystrophy (TMD). Also called: Tibial muscular dystrophy, tardive; Udd Distal Myopathy – Tibial Muscular Dystrophy; UDD MYOPATHY. Identifiers: Orphanet 609, MedGen C1838244, MONDO:0010870, OMIM 600334.
Myopathy, myofibrillar, 9, with early respiratory failure (MFM9). Also called: Myopathy, distal, with early respiratory failure, autosomal dominant; MYOPATHY, PROXIMAL, WITH EARLY RESPIRATORY MUSCLE INVOLVEMENT; Hereditary myopathy with early respiratory failure; EDSTROM MYOPATHY. Identifiers: Orphanet 178464, Orphanet 34521, MedGen C1863599, MONDO:0011362, OMIM 603689.
Hypertrophic cardiomyopathy 9. Also called: Familial hypertrophic cardiomyopathy 9. Identifiers: MedGen C1861065, MONDO:0013412, OMIM 613765.

Allele frequency attached by ClinVar (database versions not stated): ExAC 0.00001; gnomAD exomes 0.00001; gnomAD 0.00003 and 0.00004; TOPMed 0.00005.
gnomAD v4.1: 18 of 1,604,488 alleles (0.0011%); highest among the groups gnomAD compares: Non-Finnish European, 0.0014%; no homozygotes.

Submissions (6):

PreventionGenetics, part of Exact Sciences
Classification: Uncertain significance for TTN-related condition. Last evaluated: 2025-07-23. Review status: criteria provided, single submitter. Criteria: ACMG Guidelines, 2015. Collection method: clinical testing. Allele origin: germline.
Comment: The TTN c.100163G>A variant is predicted to result in the amino acid substitution p.Ser33388Asn. To our knowledge, this variant has not been reported in the literature. This variant is reported in 0.0024% of alleles in individuals of European (Non-Finnish) descent in gnomAD. At this time, the clinical significance of this variant is uncertain due to the absence of conclusive functional and genetic evidence.

Mayo Clinic Laboratories, Mayo Clinic
Classification: Uncertain significance. Last evaluated: 2025-05-12. Review status: criteria provided, single submitter. Criteria: ACMG Guidelines, 2015. Collection method: clinical testing. Allele origin: germline. Observed: 3 variant alleles.
Comment: BP4_moderate, PM2_supporting

Fulgent Genetics
Classification: Uncertain significance for Tibial muscular dystrophy; Myopathy, myofibrillar, 9, with early respiratory failure; Dilated cardiomyopathy 1G; Autosomal recessive limb-girdle muscular dystrophy type 2J; Early-onset myopathy with fatal cardiomyopathy; Hypertrophic cardiomyopathy 9. Last evaluated: 2021-09-01. Review status: criteria provided, single submitter. Criteria: ACMG Guidelines, 2015. Collection method: clinical testing. Allele origin: unknown.

Ambry Genetics
Classification: Uncertain significance for Cardiovascular phenotype. Last evaluated: 2019-04-04. Review status: criteria provided, single submitter. Criteria: Ambry Variant Classification Scheme 2023. Collection method: clinical testing. Allele origin: germline.
Comment: The p.S24323N variant (also known as c.72968G>A), located in coding exon 183 of the TTN gene, results from a G to A substitution at nucleotide position 72968. The serine at codon 24323 is replaced by asparagine, an amino acid with highly similar properties. This amino acid position is not well conserved in available vertebrate species. In addition, this alteration is predicted to be tolerated by in silico analysis. Since supporting evidence is limited at this time, the clinical significance of this alteration remains unclear.

Labcorp Genetics (formerly Invitae), Labcorp
Classification: Uncertain significance for Dilated cardiomyopathy 1G; Autosomal recessive limb-girdle muscular dystrophy type 2J. Last evaluated: 2017-12-21. Review status: criteria provided, single submitter. Criteria: Invitae Variant Classification Sherloc (09022015). Collection method: clinical testing. Allele origin: germline.

Eurofins Ntd Llc (ga)
Classification: Uncertain significance. Last evaluated: 2015-03-02. Review status: criteria provided, single submitter. Criteria: EGL Classification Definitions 2015. Collection method: clinical testing. Allele origin: germline. Observed: 1 variant allele, 1 heterozygote.